The following is an entry in ClinVar:

NM_006231.4(POLE):c.5936A>C (p.Asn1979Thr)

Gene: POLE (DNA polymerase epsilon, catalytic subunit; minus strand). Cytogenetic location: 12q24.33.
Variant type: single nucleotide variant.
Coding change: c.5936A>C on transcript NM_006231.4 (MANE Select); coding-DNA position 5936, A replaced by C.
Protein change: p.Asn1979Thr; replaces asparagine 1979 with threonine.
Molecular consequence: missense variant.
Genome position (GRCh38, 1-based): chr12:132,634,254, T>G on the plus strand (A>C on the coding strand, the complement: POLE is on the minus strand). VCF-style: chr12-132634254-T-G. GRCh37 (hg19) VCF-style: chr12-133210840-T-G.
Other names: short protein forms N1979T.
Identifiers: ClinVar variation 540811 (VCV000540811.13), dbSNP rs775893052, ClinGen allele CA6892333.

ClinVar aggregate classification (germline): Conflicting classifications of pathogenicity. Review status: criteria provided, conflicting classifications (1 of 4 stars). 3 submissions from 3 submitters: Uncertain significance (2); Likely benign (1). Last evaluated 2026-02-02.

Conditions:
Hereditary cancer-predisposing syndrome. Also called: Neoplastic Syndromes, Hereditary; Hereditary Cancer Syndrome; Hereditary neoplastic syndrome; Tumor predisposition. Identifiers: Orphanet 140162, MedGen C0027672, MeSH D009386, MONDO:0015356.

Allele frequency attached by ClinVar (database versions not stated): gnomAD exomes below 0.00001; ExAC 0.00001.
gnomAD v4.1: 1 of 1,614,184 alleles (0.000062%); highest among the groups gnomAD compares: Non-Finnish European, 0.000085%; no homozygotes.

Submissions (3):

Labcorp Genetics (formerly Invitae), Labcorp
Classification: Uncertain significance. Last evaluated: 2026-02-02. Review status: criteria provided, single submitter. Criteria: Invitae Variant Classification Sherloc (09022015). Collection method: clinical testing. Allele origin: germline.
Comment: This sequence change replaces asparagine, which is neutral and polar, with threonine, which is neutral and polar, at codon 1979 of the POLE protein (p.Asn1979Thr). This variant is present in population databases (rs775893052, gnomAD 0.0009%). This variant has not been reported in the literature in individuals affected with POLE-related conditions. ClinVar contains an entry for this variant (Variation ID: 540811). Invitae Evidence Modeling of protein sequence and biophysical properties (such as structural, functional, and spatial information, amino acid conservation, physicochemical variation, residue mobility, and thermodynamic stability) indicates that this missense variant is not expected to disrupt POLE protein function with a negative predictive value of 80%. In summary, the available evidence is currently insufficient to determine the role of this variant in disease. Therefore, it has been classified as a Variant of Uncertain Significance.

Ambry Genetics
Classification: Likely benign for Hereditary cancer-predisposing syndrome. Last evaluated: 2025-04-04. Review status: criteria provided, single submitter. Criteria: Ambry Variant Classification Scheme 2023. Collection method: clinical testing. Allele origin: germline.

Breakthrough Genomics
Classification: Uncertain significance. Review status: criteria provided, single submitter. Criteria: ACMG Guidelines, 2015. Collection method: not provided. Allele origin: germline. Inheritance: Autosomal recessive inheritance. Affected: yes.